The following is an entry in ClinVar:

ClinVar aggregate classification (germline): Conflicting classifications of pathogenicity. Review status: criteria provided, conflicting classifications (1 of 4 stars). 2 submissions from 2 submitters: Uncertain significance (1); Likely benign (1). Last evaluated 2023-06-02.

Conditions:
Inborn genetic diseases. Identifiers: MedGen C0950123, MeSH D030342.

Allele frequency attached by ClinVar (database versions not stated): gnomAD exomes 0.00004 and 0.00003; gnomAD 0.00005; ExAC 0.00002.
gnomAD v4.1: 48 of 1,612,454 alleles (0.003%); highest among the groups gnomAD compares: East Asian, 0.0067%; no homozygotes.

Submissions (2):

Ambry Genetics
Classification: Likely benign for Inborn genetic diseases. Last evaluated: 2023-06-02. Review status: criteria provided, single submitter. Criteria: Ambry Variant Classification Scheme 2023. Collection method: clinical testing. Allele origin: germline.

GeneDx
Classification: Uncertain significance. Last evaluated: 2017-01-20. Review status: criteria provided, single submitter. Criteria: GeneDx Variant Classification (06012015). Collection method: clinical testing. Allele origin: germline. Affected: yes.
Comment: To our knowledge, the R54H variant in the CERS3 gene has not been reported previously as a pathogenic variant, nor as a benign variant. It was not observed in approximately 6,500 individuals of European and African American ancestry in the NHLBI Exome Sequencing Project, indicating it is not a common benign variant in these populations. R54H is a conservative amino acid substitution, which is not likely to impact secondary protein structure as these residues share similar properties. This substitution occurs at a position that is not conserved and in silico analysis predicts this variant likely does not alter the protein structure/function. However, no nearby variants have been reported in the Human Gene Mutation Database in association with disorder (Stenson et al., 2014). Therefore, we interpret R54H as a variant of uncertain significance.

NM_001378789.1(CERS3):c.161G>A (p.Arg54His)

Gene: CERS3 (ceramide synthase 3; minus strand). Cytogenetic location: 15q26.3.
Variant type: single nucleotide variant.
Coding change: c.161G>A on transcript NM_001378789.1 (MANE Select); coding-DNA position 161, G replaced by A.
Protein change: p.Arg54His; replaces arginine 54 with histidine.
Molecular consequence: missense variant.
Genome position (GRCh38, 1-based): chr15:100,501,689, C>T on the plus strand (G>A on the coding strand, the complement: CERS3 is on the minus strand). VCF-style: chr15-100501689-C-T. GRCh37 (hg19) VCF-style: chr15-101041894-C-T.
Other names: c.194G>A, p.Arg65His (NM_001290341.2); c.161G>A, p.Arg54His (NM_001290342.2, NM_001290343.2, NM_178842.5); short protein forms R54H, R65H.
Identifiers: ClinVar variation 392487 (VCV000392487.4), dbSNP rs199880090, ClinGen allele CA7759171.
Genomic context (GRCh38, chr15:100,501,689, plus strand): 5'-TTAGAGCAAAGAGGGGGAATGGGAAGGAAAGACACAAGTACTACTTACTTTTCAAATACA[C>T]GTCTGATAATCAGCAAGAGAAAAGCATATGGAATTGTCACGTATAAATGAGAAGGTTTTA-3'
Protein context (NP_001365718.1, residues 44-64): PYAFLLLIIR[Arg54His]VFEKFVASPL